The following is an entry in ClinVar:

NM_022455.5(NSD1):c.4546G>C (p.Glu1516Gln)

Gene: NSD1 (nuclear receptor binding SET domain protein 1; plus strand). Cytogenetic location: 5q35.3.
Variant type: single nucleotide variant.
Coding change: c.4546G>C on transcript NM_022455.5 (MANE Select); coding-DNA position 4546, G replaced by C.
Protein change: p.Glu1516Gln; replaces glutamic acid 1516 with glutamine.
Molecular consequence: missense variant.
Genome position (GRCh38, 1-based): chr5:177,248,229, G>C. VCF-style: chr5-177248229-G-C. GRCh37 (hg19) VCF-style: chr5-176675230-G-C.
Other names: c.3673G>C, p.Glu1225Gln (NM_001365684.2, NM_001409306.1, NM_001409307.1 and 3 more transcripts); c.4546G>C, p.Glu1516Gln (NM_001409301.1, NM_001409302.1, NM_001409303.1); c.4126G>C, p.Glu1376Gln (NM_001409304.1); c.3793G>C, p.Glu1265Gln (NM_001409305.1); short protein forms E1247Q, E1516Q, E1265Q, E1376Q, E1225Q.
Identifiers: ClinVar variation 1474467 (VCV001474467.9), dbSNP rs2149899575, ClinGen allele CA362349650.

ClinVar aggregate classification (germline): Uncertain significance. Review status: criteria provided, multiple submitters, no conflicts (2 of 4 stars). 2 submissions from 2 submitters: Uncertain significance (2). Last evaluated 2021-08-17.

Conditions:
Sotos syndrome (SOTOS). Also called: SOTOS SYNDROME 1; CEREBRAL GIGANTISM; Sotos' syndrome; CHROMOSOME 5q35 DELETION SYNDROME; Distinctive facial appearance, overgrowth in childhood, and learning disabilities or delayed development. Identifiers: Orphanet 821, MedGen C0175695, MONDO:0019349, OMIM 117550.

Submissions (2):

Fulgent Genetics
Classification: Uncertain significance for Sotos syndrome. Last evaluated: 2021-08-17. Review status: criteria provided, single submitter. Criteria: ACMG Guidelines, 2015. Collection method: clinical testing. Allele origin: unknown.

Labcorp Genetics (formerly Invitae), Labcorp
Classification: Uncertain significance. Last evaluated: 2021-02-12. Review status: criteria provided, single submitter. Criteria: Invitae Variant Classification Sherloc (09022015). Collection method: clinical testing. Allele origin: germline.
Comment: In summary, the available evidence is currently insufficient to determine the role of this variant in disease. Therefore, it has been classified as a Variant of Uncertain Significance. Algorithms developed to predict the effect of missense changes on protein structure and function are either unavailable or do not agree on the potential impact of this missense change (SIFT: "Tolerated"; PolyPhen-2: "Probably Damaging"; Align-GVGD: "Class C0"). This variant has not been reported in the literature in individuals with NSD1-related conditions. This variant is not present in population databases (ExAC no frequency). This sequence change replaces glutamic acid with glutamine at codon 1516 of the NSD1 protein (p.Glu1516Gln). The glutamic acid residue is moderately conserved and there is a small physicochemical difference between glutamic acid and glutamine.